The following is an entry in ClinVar:

NM_032578.4(MYPN):c.2643C>A (p.Asn881Lys)

Gene: MYPN (myopalladin; plus strand). Cytogenetic location: 10q21.3.
Variant type: single nucleotide variant.
Coding change: c.2643C>A on transcript NM_032578.4 (MANE Select); coding-DNA position 2643, C replaced by A.
Protein change: p.Asn881Lys; replaces asparagine 881 with lysine.
Molecular consequence: missense variant. On other transcripts: non-coding transcript variant (1).
Genome position (GRCh38, 1-based): chr10:68,175,401, C>A. VCF-style: chr10-68175401-C-A. GRCh37 (hg19) VCF-style: chr10-69935158-C-A.
Other names: c.2643C>A, p.Asn881Lys (NM_001256267.2); c.1761C>A, p.Asn587Lys (NM_001256268.2); short protein forms N587K, N881K.
Identifiers: ClinVar variation 2563965 (VCV002563965.2), dbSNP rs777342412, ClinGen allele CA376849208.
Genomic context (GRCh38, chr10:68,175,401, plus strand): 5'-GAAGAAAAATACAAAGTCTCCTCAACCAGTGAATGATGATAACATTCGTGAAACTAAGAA[C>A]GCAGTGATTCGAGACTTGGGGAAAAAAATAACTTTCAGTGATGTCAGACCAAACCAGCAG-3'
Protein context (NP_115967.2, residues 871-891): VNDDNIRETK[Asn881Lys]AVIRDLGKKI

ClinVar aggregate classification (germline): Uncertain significance (1 of 4 stars; one submission).

Conditions:
Cardiovascular phenotype. Identifiers: MedGen CN230736.

Submission:

Ambry Genetics
Classification: Uncertain significance for Cardiovascular phenotype. Last evaluated: 2023-03-24. Review status: criteria provided, single submitter. Criteria: Ambry Variant Classification Scheme 2023. Collection method: clinical testing. Allele origin: germline.
Comment: The p.N881K variant (also known as c.2643C>A), located in coding exon 11 of the MYPN gene, results from a C to A substitution at nucleotide position 2643. The asparagine at codon 881 is replaced by lysine, an amino acid with similar properties. This amino acid position is conserved. In addition, this alteration is predicted to be tolerated by in silico analysis. Since supporting evidence is limited at this time, the clinical significance of this alteration remains unclear.